The following is an entry in ClinVar:

ClinVar aggregate classification (germline): Likely benign. Review status: criteria provided, multiple submitters, no conflicts (2 of 4 stars). 3 submissions from 3 submitters: Likely benign (3). Last evaluated 2025-09-03.

Conditions:
Cardiovascular phenotype. Identifiers: MedGen CN230736.
Dilated cardiomyopathy 1G (CMD1G). Identifiers: Orphanet 154, MedGen C1858763, MONDO:0011400, OMIM 604145.
Autosomal recessive limb-girdle muscular dystrophy type 2J (LGMDR10). Also called: MUSCULAR DYSTROPHY, LIMB-GIRDLE, AUTOSOMAL RECESSIVE 10; Limb-girdle muscular dystrophy, type 2J. Identifiers: Orphanet 140922, MedGen C1837342, MONDO:0012127, OMIM 608807.

Allele frequency attached by ClinVar (database versions not stated): gnomAD exomes below 0.00001; ExAC 0.00001.
gnomAD v4.1: 2 of 1,613,256 alleles (0.00012%); highest among the groups gnomAD compares: Non-Finnish European, 0.000085%; no homozygotes.

Submissions (3):

Labcorp Genetics (formerly Invitae), Labcorp
Classification: Likely benign for Dilated cardiomyopathy 1G; Autosomal recessive limb-girdle muscular dystrophy type 2J. Last evaluated: 2025-09-03. Review status: criteria provided, single submitter. Criteria: Invitae Variant Classification Sherloc (09022015). Collection method: clinical testing. Allele origin: germline.

CeGaT Center for Human Genetics Tuebingen
Classification: Likely benign. Last evaluated: 2022-07-01. Review status: criteria provided, single submitter. Criteria: CeGaT Center For Human Genetics Tuebingen Variant Classification Criteria Version 2. Collection method: clinical testing. Allele origin: germline. Affected: yes. Observed: 1 variant allele.
Comment: TTN: BP4, BP7

Ambry Genetics
Classification: Likely benign for Cardiovascular phenotype. Last evaluated: 2019-10-07. Review status: criteria provided, single submitter. Criteria: Ambry Variant Classification Scheme 2023. Collection method: clinical testing. Allele origin: germline.

NM_001267550.2(TTN):c.74139C>A (p.Val24713=)

Genes: TTN (titin; minus strand), TTN-AS1 (TTN antisense RNA 1; plus strand). Cytogenetic location: 2q31.2.
Variant type: single nucleotide variant.
Coding change: c.74139C>A on transcript NM_001267550.2 (MANE Select); coding-DNA position 74139, C replaced by A.
Protein change: p.Val24713=; no amino-acid change (valine 24713 retained).
Molecular consequence: synonymous variant.
Genome position (GRCh38, 1-based): chr2:178,571,993, G>T on the plus strand (C>A on the coding strand, the complement: TTN is on the minus strand). VCF-style: chr2-178571993-G-T. GRCh37 (hg19) VCF-style: chr2-179436720-G-T.
Other names: c.69216C>A, p.Val23072= (NM_001256850.1); c.46944C>A, p.Val15648= (NM_003319.4); c.66435C>A, p.Val22145= (NM_133378.4); c.47319C>A, p.Val15773= (NM_133432.3); c.47520C>A, p.Val15840= (NM_133437.4).
Identifiers: ClinVar variation 1122136 (VCV001122136.35), dbSNP rs752387560, ClinGen allele CA1990249.